The following is an entry in ClinVar:

ClinVar aggregate classification (germline): Uncertain significance (1 of 4 stars; one submission).

Submission:

Ambry Genetics
Classification: Uncertain significance. Last evaluated: 2024-05-08. Review status: criteria provided, single submitter. Criteria: Ambry Variant Classification Scheme 2023. Collection method: clinical testing. Allele origin: germline.
Comment: The p.F1120C variant (also known as c.3359T>G), located in coding exon 29 of the KIF1B gene, results from a T to G substitution at nucleotide position 3359. The phenylalanine at codon 1120 is replaced by cysteine, an amino acid with highly dissimilar properties. This amino acid position is conserved. In addition, this alteration is predicted to be deleterious by in silico analysis. Based on the available evidence, the clinical significance of this variant remains unclear.

NM_001365951.3(KIF1B):c.3497T>G (p.Phe1166Cys)

Gene: KIF1B (kinesin family member 1B; plus strand). Cytogenetic location: 1p36.22.
Variant type: single nucleotide variant.
Coding change: c.3497T>G on transcript NM_001365951.3 (MANE Select); coding-DNA position 3497, T replaced by G.
Protein change: p.Phe1166Cys; replaces phenylalanine 1166 with cysteine.
Molecular consequence: missense variant.
Genome position (GRCh38, 1-based): chr1:10,339,843, T>G. VCF-style: chr1-10339843-T-G. GRCh37 (hg19) VCF-style: chr1-10399901-T-G.
Other names: c.3497T>G, p.Phe1166Cys (NM_001365952.1); c.3359T>G, p.Phe1120Cys (NM_015074.3); short protein forms F1120C, F1166C.
Identifiers: ClinVar variation 3288439 (VCV003288439.1).